The following is an entry in ClinVar:

ClinVar aggregate classification (germline): Likely benign (1 of 4 stars; one submission).

Conditions:
PKD1-related disorder. Also called: PKD1-related condition.

gnomAD v4.1: 53 of 1,473,916 alleles (0.0036%); highest among the groups gnomAD compares: Admixed American, 0.082%; no homozygotes.

Submission:

PreventionGenetics, part of Exact Sciences
Classification: Likely benign for PKD1-related condition. Last evaluated: 2025-09-30. Review status: criteria provided, single submitter. Criteria: ACMG Guidelines, 2015. Collection method: clinical testing. Allele origin: germline.
Comment: This variant is classified as likely benign based on ACMG/AMP sequence variant interpretation guidelines (Richards et al. 2015 PMID: 25741868, with internal and published modifications).

NM_001009944.3(PKD1):c.11733C>T (p.Ala3911=)

Gene: PKD1 (polycystin 1, transient receptor potential channel interacting; minus strand). Cytogenetic location: 16p13.3.
Variant type: single nucleotide variant.
Coding change: c.11733C>T on transcript NM_001009944.3 (MANE Select); coding-DNA position 11733, C replaced by T.
Protein change: p.Ala3911=; no amino-acid change (alanine 3911 retained).
Molecular consequence: synonymous variant.
Genome position (GRCh38, 1-based): chr16:2,091,154, G>A on the plus strand (C>T on the coding strand, the complement: PKD1 is on the minus strand). VCF-style: chr16-2091154-G-A. GRCh37 (hg19) VCF-style: chr16-2141155-G-A.
Other names: c.11730C>T, p.Ala3910= (NM_000296.4).
Identifiers: ClinVar variation 4984032 (VCV004984032.1).